The following is an entry in ClinVar:

NM_004304.5(ALK):c.1852G>A (p.Gly618Arg)

Gene: ALK (ALK receptor tyrosine kinase; minus strand). Cytogenetic location: 2p23.2.
Variant type: single nucleotide variant.
Coding change: c.1852G>A on transcript NM_004304.5 (MANE Select); coding-DNA position 1852, G replaced by A.
Protein change: p.Gly618Arg; replaces glycine 618 with arginine.
Molecular consequence: missense variant.
Genome position (GRCh38, 1-based): chr2:29,275,462, C>T on the plus strand (G>A on the coding strand, the complement: ALK is on the minus strand). VCF-style: chr2-29275462-C-T. GRCh37 (hg19) VCF-style: chr2-29498328-C-T.
Other names: short protein forms G618R.
Identifiers: ClinVar variation 653409 (VCV000653409.9), dbSNP rs1573183907, ClinGen allele CA346479980.

ClinVar aggregate classification (germline): Uncertain significance. Review status: criteria provided, multiple submitters, no conflicts (2 of 4 stars). 2 submissions from 2 submitters: Uncertain significance (2). Last evaluated 2025-11-12.

Conditions:
Neuroblastoma, susceptibility to, 3. Also called: ALK-Related Neuroblastic Tumor Susceptibility. Identifiers: Orphanet 635, MedGen C2751681, MONDO:0013083, OMIM 613014.
Hereditary cancer-predisposing syndrome. Also called: Neoplastic Syndromes, Hereditary; Hereditary neoplastic syndrome; Hereditary Cancer Syndrome; Tumor predisposition. Identifiers: Orphanet 140162, MedGen C0027672, MeSH D009386, MONDO:0015356.

Allele frequency attached by ClinVar (database versions not stated): gnomAD exomes below 0.00001.
gnomAD v4.1: 3 of 1,614,154 alleles (0.00019%); highest among the groups gnomAD compares: Non-Finnish European, 0.00025%; no homozygotes.

Submissions (2):

Labcorp Genetics (formerly Invitae), Labcorp
Classification: Uncertain significance for Neuroblastoma, susceptibility to, 3. Last evaluated: 2025-11-12. Review status: criteria provided, single submitter. Criteria: Invitae Variant Classification Sherloc (09022015). Collection method: clinical testing. Allele origin: germline.
Comment: This sequence change replaces glycine, which is neutral and non-polar, with arginine, which is basic and polar, at codon 618 of the ALK protein (p.Gly618Arg). This variant is not present in population databases (gnomAD no frequency). This variant has not been reported in the literature in individuals affected with ALK-related conditions. ClinVar contains an entry for this variant (Variation ID: 653409). An algorithm developed to predict the effect of missense changes on protein structure and function (PolyPhen-2) suggests that this variant is likely to be disruptive. In summary, the available evidence is currently insufficient to determine the role of this variant in disease. Therefore, it has been classified as a Variant of Uncertain Significance.

Ambry Genetics
Classification: Uncertain significance for Hereditary cancer-predisposing syndrome. Last evaluated: 2024-05-17. Review status: criteria provided, single submitter. Criteria: Ambry Variant Classification Scheme 2023. Collection method: clinical testing. Allele origin: germline.
Comment: The p.G618R variant (also known as c.1852G>A), located in coding exon 10 of the ALK gene, results from a G to A substitution at nucleotide position 1852. The glycine at codon 618 is replaced by arginine, an amino acid with dissimilar properties. This amino acid position is conserved. In addition, the in silico prediction for this alteration is inconclusive. Based on the available evidence, the clinical significance of this variant remains unclear.